The following is an entry in ClinVar:

NM_003072.5(SMARCA4):c.1762-17TC[3]

Gene: SMARCA4 (SWI/SNF related BAF chromatin remodeling complex subunit ATPase 4; plus strand). Cytogenetic location: 19p13.2.
Variant type: Microsatellite.
Coding change: c.1762-17TC[3] on transcript NM_003072.5 (MANE Select); three copies in a row of the 2-base unit TC starting at c.1762-17.
Molecular consequence: intron variant.
Genome position: GRCh38 VCF-style: chr19-10996476-GTC-G. GRCh37 (hg19) VCF-style: chr19-11107152-GTC-G.
Other names: NC_000019.9:g.11107160_11107161del; c.1762-10_1762-9delCT (NM_001128849.1); c.1762-10_1762-9del (NM_003072.5); c.1762-17TC[3] (NM_001128844.3, NM_001128849.3, NM_001128847.4 and 5 more transcripts).
Identifiers: ClinVar variation 1588080 (VCV001588080.11), dbSNP rs748956133, ClinGen allele CA9203885.

ClinVar aggregate classification (germline): Likely benign. Review status: criteria provided, multiple submitters, no conflicts (2 of 4 stars). 3 submissions from 3 submitters: Likely benign (2). 1 of the submissions does not count toward it. Last evaluated 2026-07-07.

Conditions:
Rhabdoid tumor predisposition syndrome 2 (RTPS2). Identifiers: Orphanet 231108, Orphanet 69077, MedGen C2750074, MONDO:0013224, OMIM 613325.
SMARCA4-related disorder. Also called: SMARCA4-related condition.

Submissions (4):

Myriad Genetics, Inc.
Classification: Likely benign for Rhabdoid tumor predisposition syndrome 2. Last evaluated: 2026-07-07. Review status: criteria provided, single submitter. Criteria: Myriad Autosomal Dominant, Autosomal Recessive and X-Linked Classification Criteria (2023). Collection method: clinical testing. Allele origin: unknown.
Comment: This variant is considered likely benign. This variant is intronic and is not expected to impact mRNA splicing.

Labcorp Genetics (formerly Invitae), Labcorp
Classification: Likely benign for Rhabdoid tumor predisposition syndrome 2. Last evaluated: 2026-01-25. Review status: criteria provided, single submitter. Criteria: Invitae Variant Classification Sherloc (09022015). Collection method: clinical testing. Allele origin: germline.

PreventionGenetics, part of Exact Sciences
Classification: Likely benign for SMARCA4-related condition. Last evaluated: 2024-07-18. Review status: no assertion criteria provided. Collection method: clinical testing. Allele origin: germline. Not counted in ClinVar's aggregate classification.
Comment: This variant is classified as likely benign based on ACMG/AMP sequence variant interpretation guidelines (Richards et al. 2015 PMID: 25741868, with internal and published modifications).

Dr. Peter K. Rogan Lab, Western University
No classification provided (evidence only). Condition: Gastric cancer. Review status: no classification provided. Collection method: in vitro. Allele origin: not applicable. Functional consequence: retained intron. Not counted in ClinVar's aggregate classification.